The following is an entry in ClinVar:

ClinVar aggregate classification (germline): Pathogenic (1 of 4 stars; one submission).

Conditions:
Chédiak-Higashi syndrome (CHS). Also called: Chediak-Higashi Syndrome. Identifiers: Orphanet 167, MedGen C0007965, MONDO:0008963, OMIM 214500.

Submission:

Labcorp Genetics (formerly Invitae), Labcorp
Classification: Pathogenic for Chédiak-Higashi syndrome. Last evaluated: 2024-04-30. Review status: criteria provided, single submitter. Criteria: Invitae Variant Classification Sherloc (09022015). Collection method: clinical testing. Allele origin: germline.
Comment: This sequence change creates a premature translational stop signal (p.Gln2143*) in the LYST gene. It is expected to result in an absent or disrupted protein product. Loss-of-function variants in LYST are known to be pathogenic (PMID: 9215679, 11857544). This variant is not present in population databases (gnomAD no frequency). This variant has not been reported in the literature in individuals affected with LYST-related conditions. For these reasons, this variant has been classified as Pathogenic.

Literature cited by the submitters: PubMed 9215679; PubMed 11857544.

NM_000081.4(LYST):c.6427C>T (p.Gln2143Ter)

Gene: LYST (lysosomal trafficking regulator; minus strand). Cytogenetic location: 1q42.3.
Variant type: single nucleotide variant.
Coding change: c.6427C>T on transcript NM_000081.4 (MANE Select); coding-DNA position 6427, C replaced by T.
Protein change: p.Gln2143Ter; replaces glutamine 2143 with a stop codon.
Molecular consequence: nonsense.
Genome position (GRCh38, 1-based): chr1:235,759,426, G>A on the plus strand (C>T on the coding strand, the complement: LYST is on the minus strand). VCF-style: chr1-235759426-G-A. GRCh37 (hg19) VCF-style: chr1-235922726-G-A.
Other names: c.6427C>T, p.Gln2143Ter (NM_001301365.1); short protein forms Q2143*.
Identifiers: ClinVar variation 3651660 (VCV003651660.2).